The following is an entry in ClinVar:

NM_000436.4(OXCT1):c.1321A>G (p.Met441Val)

Gene: OXCT1 (3-oxoacid CoA-transferase 1; minus strand). Cytogenetic location: 5p13.1.
Variant type: single nucleotide variant.
Coding change: c.1321A>G on transcript NM_000436.4 (MANE Select); coding-DNA position 1321, A replaced by G.
Protein change: p.Met441Val; replaces methionine 441 with valine.
Molecular consequence: missense variant. On other transcripts: non-coding transcript variant (1), intron variant (1).
Genome position (GRCh38, 1-based): chr5:41,762,128, T>C on the plus strand (A>G on the coding strand, the complement: OXCT1 is on the minus strand). VCF-style: chr5-41762128-T-C. GRCh37 (hg19) VCF-style: chr5-41762230-T-C.
Other names: c.1342A>G, p.Met448Val (NM_001364299.2, NM_001364300.2); c.1315A>G, p.Met439Val (NM_001364301.2); c.763A>G, p.Met255Val (NM_001364303.2); c.1249-12521A>G (NM_001364302.2); short protein forms M448V, M439V, M441V, M255V.
Identifiers: ClinVar variation 2010951 (VCV002010951.4), dbSNP rs2478378069, ClinGen allele CA359688162.

ClinVar aggregate classification (germline): Uncertain significance (1 of 4 stars; one submission).

Conditions:
Succinyl-CoA acetoacetate transferase deficiency (SCOTD). Also called: SCOT DEFICIENCY; SUCCINYL-CoA:3-KETOACID CoA-TRANSFERASE DEFICIENCY; KETOACIDOSIS DUE TO SCOT DEFICIENCY; Succinyl CoA:3-oxoacid CoA transferase deficiency; 3-Oxoacid CoA Transferase Deficiency. Identifiers: Orphanet 832, MedGen C0342792, MONDO:0009492, OMIM 245050.

Submission:

Labcorp Genetics (formerly Invitae), Labcorp
Classification: Uncertain significance for Succinyl-CoA acetoacetate transferase deficiency. Last evaluated: 2022-06-26. Review status: criteria provided, single submitter. Criteria: Invitae Variant Classification Sherloc (09022015). Collection method: clinical testing. Allele origin: germline.
Comment: In summary, the available evidence is currently insufficient to determine the role of this variant in disease. Therefore, it has been classified as a Variant of Uncertain Significance. Algorithms developed to predict the effect of missense changes on protein structure and function are either unavailable or do not agree on the potential impact of this missense change (SIFT: "Deleterious"; PolyPhen-2: "Possibly Damaging"; Align-GVGD: "Class C0"). This variant has not been reported in the literature in individuals affected with OXCT1-related conditions. This variant is not present in population databases (gnomAD no frequency). This sequence change replaces methionine, which is neutral and non-polar, with valine, which is neutral and non-polar, at codon 441 of the OXCT1 protein (p.Met441Val).